The following is an entry in ClinVar:

NM_017534.6(MYH2):c.1504GAG[1] (p.Glu503del)

Genes: MYHAS (myosin heavy chain gene cluster antisense RNA; plus strand), MYH2 (myosin heavy chain 2; minus strand). Cytogenetic location: 17p13.1.
Variant type: Microsatellite.
Coding change: c.1504GAG[1] on transcript NM_017534.6 (MANE Select); one copy of the 3-base unit GAG starting at c.1504; the reference has two copies in a row; one copy, 3 bases deleted.
Protein change: p.Glu503del; deletes glutamic acid 503.
Molecular consequence: inframe deletion.
Genome position (GRCh38, 1-based): chr17:10,537,743-10,537,745, CTC deleted on the plus strand (GAG on the coding strand, the reverse complement: MYH2 is on the minus strand); deleting any 3 consecutive bases within chr17:10,537,743-10,537,750 gives the same sequence; the position shown is the placement nearest the transcript's 3' end. VCF-style (leftmost placement, unchanged base first): chr17-10537742-ACTC-A. GRCh37 (hg19) VCF-style: chr17-10441059-ACTC-A.
Other names: c.1504GAG[1], p.Glu503del (NM_001100112.2); short protein forms E503del.
Identifiers: ClinVar variation 2792059 (VCV002792059.3), dbSNP rs2508452693, ClinGen allele CA2739267159.

ClinVar aggregate classification (germline): Uncertain significance (1 of 4 stars; one submission).

Conditions:
Myopathy, proximal, and ophthalmoplegia (CMYO6). Also called: INCLUSION BODY MYOPATHY 3, AUTOSOMAL DOMINANT; CONGENITAL MYOPATHY 6 WITH OPHTHALMOPLEGIA; MYOPATHY WITH CONGENITAL JOINT CONTRACTURES, OPHTHALMOPLEGIA, AND RIMMED VACUOLES. Identifiers: Orphanet 363677, Orphanet 79091, MedGen C1854106, MONDO:0011577, OMIM 605637.

Submission:

Labcorp Genetics (formerly Invitae), Labcorp
Classification: Uncertain significance for Myopathy, proximal, and ophthalmoplegia. Last evaluated: 2023-06-15. Review status: criteria provided, single submitter. Criteria: Invitae Variant Classification Sherloc (09022015). Collection method: clinical testing. Allele origin: germline.
Comment: This variant, c.1507_1509del, results in the deletion of 1 amino acid(s) of the MYH2 protein (p.Glu503del), but otherwise preserves the integrity of the reading frame. In summary, the available evidence is currently insufficient to determine the role of this variant in disease. Therefore, it has been classified as a Variant of Uncertain Significance. Experimental studies and prediction algorithms are not available or were not evaluated, and the functional significance of this variant is currently unknown. This variant has not been reported in the literature in individuals affected with MYH2-related conditions. This variant is not present in population databases (gnomAD no frequency).